The following is an entry in ClinVar:

NM_000051.4(ATM):c.1228G>A (p.Val410Met)

Gene: ATM (ATM serine/threonine kinase; plus strand). Cytogenetic location: 11q22.3.
Variant type: single nucleotide variant.
Coding change: c.1228G>A on transcript NM_000051.4 (MANE Select); coding-DNA position 1228, G replaced by A.
Protein change: p.Val410Met; replaces valine 410 with methionine.
Molecular consequence: missense variant.
Genome position (GRCh38, 1-based): chr11:108,249,095, G>A. VCF-style: chr11-108249095-G-A. GRCh37 (hg19) VCF-style: chr11-108119822-G-A.
Other names: p.Val410Met; c.1228G>A, p.Val410Met (NM_001351834.2); short protein forms V410M.
Identifiers: ClinVar variation 216190 (VCV000216190.28), dbSNP rs863224555, ClinGen allele CA337783.
Genomic context (GRCh38, chr11:108,249,095, plus strand): 5'-GAACTAGGCTGGGAAGTAATAAAAGATCACCTTCAGAAGTCACAGAATGATTTTGATCTT[G>A]TGCCTTGGTAAAGTGTTACCATTTTCTCATTCAGTGTCATTTTAATCTCTTGTATGTTAT-3'
Protein context (NP_000042.3, residues 400-420): LQKSQNDFDL[Val410Met]PWLQIATQLI

ClinVar aggregate classification (germline): Conflicting classifications of pathogenicity. Review status: criteria provided, conflicting classifications (1 of 4 stars). 8 submissions from 8 submitters: Uncertain significance (6); Likely benign (1). 1 of the submissions does not count toward it. Last evaluated 2025-03-27.

Conditions:
Hereditary cancer-predisposing syndrome. Also called: Tumor predisposition; Hereditary Cancer Syndrome; Neoplastic Syndromes, Hereditary; Hereditary neoplastic syndrome. Identifiers: Orphanet 140162, MedGen C0027672, MeSH D009386, MONDO:0015356.
Familial cancer of breast. Also called: Hereditary breast cancer; BREAST CANCER, FAMILIAL; hereditary breast carcinoma. Identifiers: Orphanet 227535, MedGen C0346153, MONDO:0016419, OMIM 114480. Disease mechanism: loss of function.
Ataxia-telangiectasia syndrome (AT). Also called: Cerebello-oculocutaneous telangiectasia; Immunodeficiency with ataxia telangiectasia; Ataxia telangiectasia (A-T); LOUIS-BAR SYNDROME; ATAXIA-TELANGIECTASIA, COMPLEMENTATION GROUP A; ATAXIA-TELANGIECTASIA, FRESNO VARIANT. Identifiers: Orphanet 100, MedGen C0004135, MONDO:0008840, OMIM 208900.

Allele frequency attached by ClinVar (database versions not stated): gnomAD exomes below 0.00001.
gnomAD v4.1: 1 of 1,613,892 alleles (0.000062%); highest among the groups gnomAD compares: Non-Finnish European, 0.000085%; no homozygotes.

Submissions (8):

Ambry Genetics
Classification: Likely benign for Hereditary cancer-predisposing syndrome. Last evaluated: 2025-03-27. Review status: criteria provided, single submitter. Criteria: Ambry Variant Classification Scheme 2023. Collection method: clinical testing. Allele origin: germline.

Labcorp Genetics (formerly Invitae), Labcorp
Classification: Uncertain significance for Ataxia-telangiectasia syndrome. Last evaluated: 2024-09-30. Review status: criteria provided, single submitter. Criteria: Invitae Variant Classification Sherloc (09022015). Collection method: clinical testing. Allele origin: germline.
Comment: This sequence change replaces valine, which is neutral and non-polar, with methionine, which is neutral and non-polar, at codon 410 of the ATM protein (p.Val410Met). This variant is not present in population databases (gnomAD no frequency). This variant has not been reported in the literature in individuals affected with ATM-related conditions. ClinVar contains an entry for this variant (Variation ID: 216190). An algorithm developed to predict the effect of missense changes on protein structure and function (PolyPhen-2) suggests that this variant is likely to be disruptive. In summary, the available evidence is currently insufficient to determine the role of this variant in disease. Therefore, it has been classified as a Variant of Uncertain Significance.

Mayo Clinic Laboratories, Mayo Clinic
Classification: Uncertain significance. Last evaluated: 2024-07-23. Review status: criteria provided, single submitter. Criteria: ACMG Guidelines, 2015. Collection method: clinical testing. Allele origin: germline. Observed: 2 variant alleles.
Comment: BP4, PM2

Color Diagnostics, LLC DBA Color Health
Classification: Uncertain significance for Hereditary cancer-predisposing syndrome. Last evaluated: 2024-03-06. Review status: criteria provided, single submitter. Criteria: ACMG Guidelines, 2015. Collection method: clinical testing. Allele origin: germline.
Comment: This missense variant replaces valine with methionine at codon 410 of the ATM protein. Computational prediction suggests that this variant may not impact protein structure and function (internally defined REVEL score threshold <= 0.5, PMID: 27666373). To our knowledge, functional studies have not been reported for this variant. This variant has not been reported in individuals affected with hereditary cancer in the literature. This variant has not been identified in the general population by the Genome Aggregation Database (gnomAD). The available evidence is insufficient to determine the role of this variant in disease conclusively. Therefore, this variant is classified as a Variant of Uncertain Significance.

Baylor Genetics
Classification: Uncertain significance for Familial cancer of breast. Last evaluated: 2023-10-13. Review status: criteria provided, single submitter. Criteria: ACMG Guidelines, 2015. Collection method: clinical testing. Allele origin: unknown.

GeneDx
Classification: Uncertain significance. Last evaluated: 2022-02-24. Review status: criteria provided, single submitter. Criteria: GeneDx Variant Classification Process June 2021. Collection method: clinical testing. Allele origin: germline. Affected: yes.
Comment: Not observed at significant frequency in large population cohorts (gnomAD); In silico analysis supports that this missense variant does not alter protein structure/function; Has not been previously published as pathogenic or benign to our knowledge

Sema4
Classification: Uncertain significance for Hereditary cancer-predisposing syndrome. Last evaluated: 2022-02-04. Review status: criteria provided, single submitter. Criteria: Sema4 Curation Guidelines. Collection method: curation. Allele origin: germline.
Comment: The ATM c.1228G>A (p.V410M) variant has not been reported in the literature to our knowledge. This variant is not reported in the population database Genome Aggregation Database (PMID: 32461654). This variant has been reported in ClinVar (Variation ID: 216190). Functional studies have not been performed, and in silico predictions of the variant's effect on protein function are inconclusive. The evidence is insufficient to meet ACMG/AMP criteria for classifying the variant as benign or pathogenic. Thus, the clinical significance of this variant is currently uncertain.

Natera, Inc.
Classification: Uncertain significance for Ataxia-telangiectasia. Last evaluated: 2021-02-03. Review status: no assertion criteria provided. Collection method: clinical testing. Allele origin: germline. Not counted in ClinVar's aggregate classification.